The following is an entry in ClinVar:

NM_003680.4(YARS1):c.836G>A (p.Arg279Gln)

Genes: YARS1 (tyrosyl-tRNA synthetase 1; minus strand), LOC126805688 (BRD4-independent group 4 enhancer GRCh37_chr1:33251929-33253128; plus strand). Cytogenetic location: 1p35.1.
Variant type: single nucleotide variant.
Coding change: c.836G>A on transcript NM_003680.4 (MANE Select); coding-DNA position 836, G replaced by A.
Protein change: p.Arg279Gln; replaces arginine 279 with glutamine.
Molecular consequence: missense variant.
Genome position (GRCh38, 1-based): chr1:32,786,432, C>T on the plus strand (G>A on the coding strand, the complement: YARS1 is on the minus strand). VCF-style: chr1-32786432-C-T. GRCh37 (hg19) VCF-style: chr1-33252033-C-T.
Other names: short protein forms R279Q.
Identifiers: ClinVar variation 2162375 (VCV002162375.4), dbSNP rs762990940, ClinGen allele CA745072.

ClinVar aggregate classification (germline): Uncertain significance (1 of 4 stars; one submission).

Conditions:
Charcot-Marie-Tooth disease dominant intermediate C (CMTDIC). Also called: CHARCOT-MARIE-TOOTH NEUROPATHY, DOMINANT INTERMEDIATE C. Identifiers: Orphanet 100045, MedGen C1842237, MONDO:0012012, OMIM 608323.

Allele frequency attached by ClinVar (database versions not stated): gnomAD exomes 0.00001; ExAC 0.00002; gnomAD 0.00003; TOPMed 0.00003.
gnomAD v4.1: 17 of 1,613,700 alleles (0.0011%); highest among the groups gnomAD compares: African/African-American, 0.015%; no homozygotes.

Submission:

Labcorp Genetics (formerly Invitae), Labcorp
Classification: Uncertain significance for Charcot-Marie-Tooth disease dominant intermediate C. Last evaluated: 2026-01-05. Review status: criteria provided, single submitter. Criteria: Invitae Variant Classification Sherloc (09022015). Collection method: clinical testing. Allele origin: germline.
Comment: This sequence change replaces arginine, which is basic and polar, with glutamine, which is neutral and polar, at codon 279 of the YARS protein (p.Arg279Gln). This variant is present in population databases (rs762990940, gnomAD 0.01%). This variant has not been reported in the literature in individuals affected with YARS-related conditions. ClinVar contains an entry for this variant (Variation ID: 2162375). Invitae Evidence Modeling of protein sequence and biophysical properties (such as structural, functional, and spatial information, amino acid conservation, physicochemical variation, residue mobility, and thermodynamic stability) indicates that this missense variant is expected to disrupt YARS protein function with a positive predictive value of 80%. In summary, the available evidence is currently insufficient to determine the role of this variant in disease. Therefore, it has been classified as a Variant of Uncertain Significance.